The following is an entry in ClinVar:

ClinVar aggregate classification (germline): Pathogenic (1 of 4 stars; one submission).

Conditions:
Pitt-Hopkins syndrome (PTHS). Also called: ENCEPHALOPATHY, SEVERE EPILEPTIC, WITH AUTONOMIC DYSFUNCTION; MENTAL RETARDATION, SYNDROMAL, WITH INTERMITTENT HYPERVENTILATION. Identifiers: Orphanet 2896, MedGen C1970431, MONDO:0012589, OMIM 610954.

Submission:

Labcorp Genetics (formerly Invitae), Labcorp
Classification: Pathogenic for Pitt-Hopkins syndrome. Last evaluated: 2025-07-07. Review status: criteria provided, single submitter. Criteria: Invitae Variant Classification Sherloc (09022015). Collection method: clinical testing. Allele origin: germline.
Comment: This sequence change creates a premature translational stop signal (p.Arg106Glyfs*24) in the TCF4 gene. It is expected to result in an absent or disrupted protein product. Loss-of-function variants in TCF4 are known to be pathogenic (PMID: 18728071, 22045651). This variant is not present in population databases (gnomAD no frequency). This variant has not been reported in the literature in individuals affected with TCF4-related conditions. ClinVar contains an entry for this variant (Variation ID: 3631811). For these reasons, this variant has been classified as Pathogenic.

Literature cited by the submitters: PubMed 18728071; PubMed 22045651.

NM_001083962.2(TCF4):c.316_317del (p.Arg106fs)

Gene: TCF4 (transcription factor 4; minus strand). Cytogenetic location: 18q21.2.
Variant type: Deletion.
Coding change: c.316_317del on transcript NM_001083962.2 (MANE Select); coding-DNA positions 316 to 317, 2 bases deleted (AG; older notation c.316_317delAG).
Protein change: p.Arg106fs; shifts the reading frame from arginine 106.
Molecular consequence: frameshift variant. On other transcripts: 5 prime UTR variant (3).
Genome position (GRCh38, 1-based): chr18:55,403,506-55,403,507, CT deleted on the plus strand (AG on the coding strand, the reverse complement: TCF4 is on the minus strand). VCF-style (leftmost placement, unchanged base first): chr18-55403505-CCT-C. GRCh37 (hg19) VCF-style: chr18-53070736-CCT-C.
Other names: c.622_623del, p.Arg208fs (NM_001243226.3); c.244_245del, p.Arg82fs (NM_001243227.2, NM_001306207.1, NM_001348217.1 and 15 more transcripts); c.316_317del, p.Arg106fs (NM_001243228.2, NM_001330604.3, NM_001369567.1 and 8 more transcripts); c.310_311del, p.Arg104fs (NM_001243230.2); c.190_191del, p.Arg64fs (NM_001243231.2, NM_001348211.2); c.106_107del, p.Arg36fs (NM_001243232.1, NM_001306208.1); c.-75_-74del (NM_001243233.2, NM_001348213.2); c.-72_-71del (NM_001348212.2); short protein forms R82fs, R106fs, R208fs, R64fs, R36fs, R104fs.
Identifiers: ClinVar variation 3631811 (VCV003631811.2).